The following is an entry in ClinVar:

NM_001735.3(C5):c.1680G>A (p.Trp560Ter)

Gene: C5 (complement C5; minus strand). Cytogenetic location: 9q33.2.
Variant type: single nucleotide variant.
Coding change: c.1680G>A on transcript NM_001735.3 (MANE Select); coding-DNA position 1680, G replaced by A.
Protein change: p.Trp560Ter; replaces tryptophan 560 with a stop codon.
Molecular consequence: nonsense.
Genome position (GRCh38, 1-based): chr9:121,017,679, C>T on the plus strand (G>A on the coding strand, the complement: C5 is on the minus strand). VCF-style: chr9-121017679-C-T. GRCh37 (hg19) VCF-style: chr9-123779957-C-T.
Other names: c.1698G>A, p.Trp566Ter (NM_001317163.2); c.1680G>A, p.Trp560Ter (NM_001317164.2); short protein forms W566*, W560*.
Identifiers: ClinVar variation 2983119 (VCV002983119.3), dbSNP rs867527050, ClinGen allele CA199382491.

ClinVar aggregate classification (germline): Pathogenic (1 of 4 stars; one submission).

Allele frequency attached by ClinVar (database versions not stated): gnomAD exomes below 0.00001; gnomAD 0.00001; TOPMed 0.00003.
gnomAD v4.1: 8 of 1,613,588 alleles (0.0005%); highest among the groups gnomAD compares: Admixed American, 0.0017%; no homozygotes.

Submission:

Labcorp Genetics (formerly Invitae), Labcorp
Classification: Pathogenic. Last evaluated: 2024-01-02. Review status: criteria provided, single submitter. Criteria: Invitae Variant Classification Sherloc (09022015). Collection method: clinical testing. Allele origin: germline.
Comment: This sequence change creates a premature translational stop signal (p.Trp560*) in the C5 gene. It is expected to result in an absent or disrupted protein product. Loss-of-function variants in C5 are known to be pathogenic (PMID: 7730648, 19414197, 27026170). This variant is not present in population databases (gnomAD no frequency). This variant has not been reported in the literature in individuals affected with C5-related conditions. For these reasons, this variant has been classified as Pathogenic.

Literature cited by the submitters: PubMed 7730648; PubMed 19414197; PubMed 27026170.